The following is an entry in ClinVar:

NM_004448.4(ERBB2):c.868A>G (p.Thr290Ala)

Gene: ERBB2 (erb-b2 receptor tyrosine kinase 2; plus strand). Cytogenetic location: 17q12.
Variant type: single nucleotide variant.
Coding change: c.868A>G on transcript NM_004448.4 (MANE Select); coding-DNA position 868, A replaced by G.
Protein change: p.Thr290Ala; replaces threonine 290 with alanine.
Molecular consequence: missense variant. On other transcripts: non-coding transcript variant (1), intron variant (2).
Genome position (GRCh38, 1-based): chr17:39,710,448, A>G. VCF-style: chr17-39710448-A-G. GRCh37 (hg19) VCF-style: chr17-37866701-A-G.
Other names: c.778A>G, p.Thr260Ala (NM_001005862.3, NM_001289938.2, NM_001382782.1 and 1 more transcripts); c.823A>G, p.Thr275Ala (NM_001289936.2); c.868A>G, p.Thr290Ala (NM_001289937.2, NM_001382784.1, NM_001382785.1 and 16 more transcripts); c.688A>G, p.Thr230Ala (NM_001382799.1); c.643+567A>G (NM_001382802.1); c.74-1480A>G (NM_001382804.1); c.943A>G, p.Thr315Ala (NM_001382787.1); c.859A>G, p.Thr287Ala (NM_001382791.1); and 1 more; short protein forms T230A, T260A, T275A, T287A, T290A, T315A.
Identifiers: ClinVar variation 3620323 (VCV003620323.3).

ClinVar aggregate classification (germline): Uncertain significance. Review status: criteria provided, multiple submitters, no conflicts (2 of 4 stars). 2 submissions from 2 submitters: Uncertain significance (2). Last evaluated 2024-12-28.

gnomAD v4.1: 17 of 1,614,036 alleles (0.0011%); highest among the groups gnomAD compares: South Asian, 0.019%; no homozygotes.

Submissions (2):

Ambry Genetics
Classification: Uncertain significance. Last evaluated: 2024-12-28. Review status: criteria provided, single submitter. Criteria: Ambry Variant Classification Scheme 2023. Collection method: clinical testing. Allele origin: germline.

Labcorp Genetics (formerly Invitae), Labcorp
Classification: Uncertain significance. Last evaluated: 2024-02-05. Review status: criteria provided, single submitter. Criteria: Invitae Variant Classification Sherloc (09022015). Collection method: clinical testing. Allele origin: germline.
Comment: This sequence change replaces threonine, which is neutral and polar, with alanine, which is neutral and non-polar, at codon 290 of the ERBB2 protein (p.Thr290Ala). This variant is present in population databases (rs746190897, gnomAD 0.02%). This variant has not been reported in the literature in individuals affected with ERBB2-related conditions. Advanced modeling of protein sequence and biophysical properties (such as structural, functional, and spatial information, amino acid conservation, physicochemical variation, residue mobility, and thermodynamic stability) performed at Invitae indicates that this missense variant is not expected to disrupt ERBB2 protein function with a negative predictive value of 80%. Algorithms developed to predict the effect of sequence changes on RNA splicing suggest that this variant may create or strengthen a splice site. In summary, the available evidence is currently insufficient to determine the role of this variant in disease. Therefore, it has been classified as a Variant of Uncertain Significance.